The following is an entry in ClinVar:

ClinVar aggregate classification (germline): Uncertain significance (1 of 4 stars; one submission).

Allele frequency attached by ClinVar (database versions not stated): gnomAD exomes 0.00002.
gnomAD v4.1: 13 of 1,614,066 alleles (0.00081%); highest among the groups gnomAD compares: African/African-American, 0.0013%; no homozygotes.

Submission:

Labcorp Genetics (formerly Invitae), Labcorp
Classification: Uncertain significance. Last evaluated: 2023-07-22. Review status: criteria provided, single submitter. Criteria: Invitae Variant Classification Sherloc (09022015). Collection method: clinical testing. Allele origin: germline.
Comment: This sequence change affects codon 383 of the DSG1 mRNA. It is a 'silent' change, meaning that it does not change the encoded amino acid sequence of the DSG1 protein. This variant is not present in population databases (gnomAD no frequency). This variant has not been reported in the literature in individuals affected with DSG1-related conditions. Algorithms developed to predict the effect of sequence changes on RNA splicing suggest that this variant may create or strengthen a splice site. In summary, the available evidence is currently insufficient to determine the role of this variant in disease. Therefore, it has been classified as a Variant of Uncertain Significance.

NM_001942.4(DSG1):c.1149A>G (p.Pro383=)

Gene: DSG1 (desmoglein 1; plus strand). Cytogenetic location: 18q12.1.
Variant type: single nucleotide variant.
Coding change: c.1149A>G on transcript NM_001942.4 (MANE Select); coding-DNA position 1149, A replaced by G.
Protein change: p.Pro383=; no amino-acid change (proline 383 retained).
Molecular consequence: synonymous variant.
Genome position (GRCh38, 1-based): chr18:31,336,497, A>G. VCF-style: chr18-31336497-A-G. GRCh37 (hg19) VCF-style: chr18-28916460-A-G.
Identifiers: ClinVar variation 2745860 (VCV002745860.3), dbSNP rs2510834386, ClinGen allele CA503763174.
Genomic context (GRCh38, chr18:31,336,497, plus strand): 5'-TCAATATAAACTGAAAGCATCTGCAATTTCTGTGACTGTGTTAAATGTAATTGAAGGCCC[A>G]GTGTTTCGTCCAGGTTCAAAGACATATGTTGTAACTGGTAATATGGGATCAAATGATAAA-3'
Protein context (NP_001933.2, residues 373-393): SVTVLNVIEG[Pro383=]VFRPGSKTYV